The following is an entry in ClinVar:

ClinVar aggregate classification (germline): Uncertain significance (1 of 4 stars; one submission).

gnomAD v4.1: 1 of 1,613,770 alleles (0.000062%); highest among the groups gnomAD compares: Non-Finnish European, 0.000085%; no homozygotes.

Submission:

GeneDx
Classification: Uncertain significance. Last evaluated: 2022-02-10. Review status: criteria provided, single submitter. Criteria: GeneDx Variant Classification Process June 2021. Collection method: clinical testing. Allele origin: germline. Affected: yes.
Comment: Not observed at significant frequency in large population cohorts (gnomAD); In silico analysis supports that this missense variant does not alter protein structure/function; Has not been previously published as pathogenic or benign to our knowledge

NM_001429.4(EP300):c.2689G>C (p.Val897Leu)

Gene: EP300 (E1A binding protein p300; plus strand). Cytogenetic location: 22q13.2.
Variant type: single nucleotide variant.
Coding change: c.2689G>C on transcript NM_001429.4 (MANE Select); coding-DNA position 2689, G replaced by C.
Protein change: p.Val897Leu; replaces valine 897 with leucine.
Molecular consequence: missense variant.
Genome position (GRCh38, 1-based): chr22:41,150,070, G>C. VCF-style: chr22-41150070-G-C. GRCh37 (hg19) VCF-style: chr22-41546074-G-C.
Other names: c.2611G>C, p.Val871Leu (NM_001362843.2); short protein forms V871L, V897L.
Identifiers: ClinVar variation 1700867 (VCV001700867.2), dbSNP rs1375233087, ClinGen allele CA411691798.
Genomic context (GRCh38, chr22:41,150,070, plus strand): 5'-GCTCTACATCCCCCTCCAAGGCAGACACCTACACCACCAACAACACAACTTCCCCAACAA[G>C]TGCAGCCTTCACTTCCTGCTGCACCTTCTGCTGACCAGCCCCAGCAGCAGCCTCGCTCAC-3'
Protein context (NP_001420.2, residues 887-907): TPPTTQLPQQ[Val897Leu]QPSLPAAPSA